The following is an entry in ClinVar:

NM_053025.4(MYLK):c.946C>G (p.Pro316Ala)

Gene: MYLK (myosin light chain kinase; minus strand). Cytogenetic location: 3q21.1.
Variant type: single nucleotide variant.
Coding change: c.946C>G on transcript NM_053025.4 (MANE Select); coding-DNA position 946, C replaced by G.
Protein change: p.Pro316Ala; replaces proline 316 with alanine.
Molecular consequence: missense variant.
Genome position (GRCh38, 1-based): chr3:123,734,050, G>C on the plus strand (C>G on the coding strand, the complement: MYLK is on the minus strand). VCF-style: chr3-123734050-G-C. GRCh37 (hg19) VCF-style: chr3-123452897-G-C.
Other names: c.418C>G, p.Pro140Ala (NM_001321309.2); c.946C>G, p.Pro316Ala (NM_053026.4, NM_053027.4, NM_053028.4); short protein forms P140A, P316A.
Identifiers: ClinVar variation 4692042 (VCV004692042.1).

ClinVar aggregate classification (germline): Uncertain significance (1 of 4 stars; one submission).

Conditions:
Aortic aneurysm, familial thoracic 7 (AAT7). Also called: AORTIC DISSECTION, FAMILIAL, WITH OR WITHOUT AORTIC ANEURYSM. Identifiers: MedGen C3151077, MONDO:0013418, OMIM 613780.

gnomAD v4.1: 1 of 1,613,900 alleles (0.000062%); highest among the groups gnomAD compares: Non-Finnish European, 0.000085%; no homozygotes.

Submission:

Labcorp Genetics (formerly Invitae), Labcorp
Classification: Uncertain significance for Aortic aneurysm, familial thoracic 7. Last evaluated: 2025-11-04. Review status: criteria provided, single submitter. Criteria: Invitae Variant Classification Sherloc (09022015). Collection method: clinical testing. Allele origin: germline.
Comment: This sequence change replaces proline, which is neutral and non-polar, with alanine, which is neutral and non-polar, at codon 316 of the MYLK protein (p.Pro316Ala). This variant is not present in population databases (gnomAD no frequency). This variant has not been reported in the literature in individuals affected with MYLK-related conditions. Invitae Evidence Modeling of protein sequence and biophysical properties (such as structural, functional, and spatial information, amino acid conservation, physicochemical variation, residue mobility, and thermodynamic stability) indicates that this missense variant is not expected to disrupt MYLK protein function with a negative predictive value of 95%. In summary, the available evidence is currently insufficient to determine the role of this variant in disease. Therefore, it has been classified as a Variant of Uncertain Significance.